The following is an entry in ClinVar:

ClinVar aggregate classification (germline): Uncertain significance (1 of 4 stars; one submission).

Conditions:
Hereditary cancer-predisposing syndrome. Also called: Neoplastic Syndromes, Hereditary; Tumor predisposition; Hereditary neoplastic syndrome; Hereditary Cancer Syndrome. Identifiers: Orphanet 140162, MedGen C0027672, MeSH D009386, MONDO:0015356.

Submission:

Ambry Genetics
Classification: Uncertain significance for Hereditary cancer-predisposing syndrome. Last evaluated: 2026-07-07. Review status: criteria provided, single submitter. Criteria: Ambry Variant Classification Scheme 2023. Collection method: clinical testing. Allele origin: germline.
Comment: The p.A264D variant (also known as c.791C>A), located in coding exon 6 of the FH gene, results from a C to A substitution at nucleotide position 791. The alanine at codon 264 is replaced by aspartic acid, an amino acid with dissimilar properties. This amino acid position is conserved. In addition, this alteration is predicted to be deleterious by in silico analysis. Based on the available evidence, the clinical significance of this variant remains unclear.

NM_000143.4(FH):c.791C>A (p.Ala264Asp)

Gene: FH (fumarate hydratase; minus strand). Cytogenetic location: 1q43.
Variant type: single nucleotide variant.
Coding change: c.791C>A on transcript NM_000143.4 (MANE Select); coding-DNA position 791, C replaced by A.
Protein change: p.Ala264Asp; replaces alanine 264 with aspartic acid.
Molecular consequence: missense variant.
Genome position (GRCh38, 1-based): chr1:241,506,116, G>T on the plus strand (C>A on the coding strand, the complement: FH is on the minus strand). VCF-style: chr1-241506116-G-T. GRCh37 (hg19) VCF-style: chr1-241669416-G-T.
Other names: short protein forms A264D.
Identifiers: ClinVar variation 5021701 (VCV005021701.1).